The following is an entry in ClinVar:

NM_005529.7(HSPG2):c.5742C>T (p.His1914=)

Gene: HSPG2 (heparan sulfate proteoglycan 2; minus strand). Cytogenetic location: 1p36.12.
Variant type: single nucleotide variant.
Coding change: c.5742C>T on transcript NM_005529.7 (MANE Select); coding-DNA position 5742, C replaced by T.
Protein change: p.His1914=; no amino-acid change (histidine 1914 retained).
Molecular consequence: synonymous variant.
Genome position (GRCh38, 1-based): chr1:21,855,635, G>A on the plus strand (C>T on the coding strand, the complement: HSPG2 is on the minus strand). VCF-style: chr1-21855635-G-A. GRCh37 (hg19) VCF-style: chr1-22182128-G-A.
Other names: c.5745C>T, p.His1915= (NM_001291860.2).
Identifiers: ClinVar variation 295827 (VCV000295827.31), dbSNP rs62642522, ClinGen allele CA671799.

ClinVar aggregate classification (germline): Benign/Likely benign. Review status: criteria provided, multiple submitters, no conflicts (2 of 4 stars). 9 submissions from 8 submitters: Benign (7); Likely benign (2). Last evaluated 2026-02-01.

Conditions:
Connective tissue disorder. Also called: Connective tissue disease. Identifiers: MedGen C0009782, MONDO:0003900.
Lethal Kniest-like syndrome (DDSH). Also called: Dyssegmental Dysplasia. Identifiers: Orphanet 1865, MedGen C1857100, MONDO:0009140, OMIM 224410.
Schwartz-Jampel syndrome type 1 (SJS1). Also called: MYOTONIC MYOPATHY, DWARFISM, CHONDRODYSTROPHY, AND OCULAR AND FACIAL ABNORMALITIES; CHONDRODYSTROPHIC MYOTONIA. Identifiers: MedGen C4551479, MONDO:0100435, OMIM 255800.
Schwartz-Jampel syndrome. Also called: Myotonic myopathy dwarfism chondrodystrophy and ocular and facial abnormalities. Identifiers: Orphanet 800, MedGen C0036391, MONDO:0009717.

Allele frequency attached by ClinVar (database versions not stated): gnomAD exomes 0.00233; ExAC 0.00472; ESP Exome Variant Server 0.00921; gnomAD 0.00922 and 0.00995; TOPMed 0.00997; 1000 Genomes Project 0.01018; 1000 Genomes Project 30x 0.01093.
gnomAD v4.1: 2,990 of 1,575,840 alleles (0.19%); highest among the groups gnomAD compares: African/African-American, 3.2%; 51 homozygotes.

Submissions (9):

Labcorp Genetics (formerly Invitae), Labcorp
Classification: Benign. Last evaluated: 2026-02-01. Review status: criteria provided, single submitter. Criteria: Invitae Variant Classification Sherloc (09022015). Collection method: clinical testing. Allele origin: germline.

ARUP Laboratories, Molecular Genetics and Genomics, ARUP Laboratories
Classification: Benign. Last evaluated: 2023-05-02. Review status: criteria provided, single submitter. Criteria: ARUP Molecular Germline Variant Investigation Process 2024. Collection method: clinical testing. Allele origin: germline.

Fulgent Genetics
Classification: Likely benign for Lethal Kniest-like syndrome; Schwartz-Jampel syndrome type 1. Last evaluated: 2021-07-19. Review status: criteria provided, single submitter. Criteria: ACMG Guidelines, 2015. Collection method: clinical testing. Allele origin: unknown.

Athena Diagnostics
Classification: Benign. Last evaluated: 2019-07-15. Review status: criteria provided, single submitter. Criteria: Athena Diagnostics Criteria. Collection method: clinical testing. Allele origin: germline.

GeneDx
Classification: Benign. Last evaluated: 2018-11-07. Review status: criteria provided, single submitter. Criteria: GeneDx Variant Classification Process June 2021. Collection method: clinical testing. Allele origin: germline. Affected: yes.

Genome Diagnostics Laboratory, The Hospital for Sick Children
Classification: Likely benign for Connective tissue disorder. Last evaluated: 2018-07-01. Review status: criteria provided, single submitter. Criteria: ACMG Guidelines, 2015. Collection method: clinical testing. Allele origin: germline.

Illumina Laboratory Services, Illumina
Classification: Benign for Lethal Kniest-like syndrome. Last evaluated: 2018-01-12. Review status: criteria provided, single submitter. Criteria: ICSL Variant Classification Criteria 13 December 2019. Collection method: clinical testing. Allele origin: germline.
Comment: This variant was observed in the ICSL laboratory as part of a predisposition screen in an ostensibly healthy population. It had not been previously curated by ICSL or reported in the Human Gene Mutation Database (HGMD: prior to June 1st, 2018), and was therefore a candidate for classification through an automated scoring system. Utilizing variant allele frequency, disease prevalence and penetrance estimates, and inheritance mode, an automated score was calculated to assess if this variant is too frequent to cause the disease. Based on the score and internal cut-off values, a variant classified as benign is not then subjected to further curation. The score for this variant resulted in a classification of benign for this disease.

Illumina Laboratory Services, Illumina
Classification: Benign for Schwartz-Jampel syndrome type 1. Last evaluated: 2018-01-12. Review status: criteria provided, single submitter. Criteria: ICSL Variant Classification Criteria 13 December 2019. Collection method: clinical testing. Allele origin: germline.
Comment: the same text as in the submission from Illumina Laboratory Services, Illumina above.

Breakthrough Genomics
Classification: Benign. Review status: criteria provided, single submitter. Criteria: ACMG Guidelines, 2015. Collection method: not provided. Allele origin: germline. Inheritance: Autosomal recessive inheritance. Affected: yes.